The following is an entry in ClinVar:

NM_015272.5(RPGRIP1L):c.3688A>G (p.Met1230Val)

Gene: RPGRIP1L (RPGRIP1 like; minus strand). Cytogenetic location: 16q12.2.
Variant type: single nucleotide variant.
Coding change: c.3688A>G on transcript NM_015272.5 (MANE Select); coding-DNA position 3688, A replaced by G.
Protein change: p.Met1230Val; replaces methionine 1230 with valine.
Molecular consequence: missense variant.
Genome position (GRCh38, 1-based): chr16:53,610,980, T>C on the plus strand (A>G on the coding strand, the complement: RPGRIP1L is on the minus strand). VCF-style: chr16-53610980-T-C. GRCh37 (hg19) VCF-style: chr16-53644892-T-C.
Other names: c.3448A>G, p.Met1150Val (NM_001127897.4); c.3550A>G, p.Met1184Val (NM_001308334.3); c.3586A>G, p.Met1196Val (NM_001330538.2); short protein forms M1196V, M1150V, M1184V, M1230V.
Identifiers: ClinVar variation 4982436 (VCV004982436.1).

ClinVar aggregate classification (germline): Uncertain significance (1 of 4 stars; one submission).

Conditions:
RPGRIP1L-related disorder. Also called: RPGRIP1L-related condition; RPGRIP1L-related disorders. Identifiers: MedGen CN239416.

Submission:

PreventionGenetics, part of Exact Sciences
Classification: Uncertain significance for RPGRIP1L-related condition. Last evaluated: 2026-06-11. Review status: criteria provided, single submitter. Criteria: ACMG Guidelines, 2015. Collection method: clinical testing. Allele origin: germline.
Comment: The RPGRIP1L c.3688A>G variant is predicted to result in the amino acid substitution p.Met1230Val. To our knowledge, this variant has not been reported in the literature or in a large population database (gnomAD), indicating this variant is rare. At this time, the clinical significance of this variant is uncertain due to the absence of conclusive functional and genetic evidence.